The following is an entry in ClinVar:

ClinVar aggregate classification (germline): Conflicting classifications of pathogenicity. Review status: criteria provided, conflicting classifications (1 of 4 stars). 2 submissions from 2 submitters: Uncertain significance (1); Likely benign (1). Last evaluated 2025-05-01.

Conditions:
Developmental and epileptic encephalopathy, 42 (DEE42A). Also called: DEVELOPMENTAL AND EPILEPTIC ENCEPHALOPATHY 42A; EPILEPTIC ENCEPHALOPATHY, EARLY INFANTILE, 42A; Epileptic encephalopathy, early infantile, 42. Identifiers: MedGen C4310716, MONDO:0014917, OMIM 617106.
Episodic ataxia type 2 (EA2). Also called: EPISODIC ATAXIA, NYSTAGMUS-ASSOCIATED; ACETAZOLAMIDE-RESPONSIVE HEREDITARY PAROXYSMAL CEREBELLAR ATAXIA; ATAXIA, EPISODIC, WITH NYSTAGMUS; ATAXIA, FAMILIAL PAROXYSMAL; CEREBELLAR ATAXIA, PAROXYSMAL, ACETAZOLAMIDE-RESPONSIVE; CEREBELLOPATHY, HEREDITARY PAROXYSMAL. Identifiers: Orphanet 97, MedGen C1720416, MONDO:0007163, OMIM 108500.

Allele frequency attached by ClinVar (database versions not stated): gnomAD exomes below 0.00001 and 0.00001; ESP Exome Variant Server 0.00010; TOPMed 0.00003; ExAC 0.00001; gnomAD 0.00006 and 0.00005.
gnomAD v4.1: 13 of 1,598,226 alleles (0.00081%); highest among the groups gnomAD compares: African/African-American, 0.012%; no homozygotes.

Submissions (2):

Labcorp Genetics (formerly Invitae), Labcorp
Classification: Likely benign for Developmental and epileptic encephalopathy, 42; Episodic ataxia type 2. Last evaluated: 2025-05-01. Review status: criteria provided, single submitter. Criteria: Invitae Variant Classification Sherloc (09022015). Collection method: clinical testing. Allele origin: germline.

GeneDx
Classification: Uncertain significance. Last evaluated: 2022-09-20. Review status: criteria provided, single submitter. Criteria: GeneDx Variant Classification Process June 2021. Collection method: clinical testing. Allele origin: germline. Affected: yes.
Comment: In silico analysis supports that this missense variant has a deleterious effect on protein structure/function; Has not been previously published as pathogenic or benign to our knowledge

NM_001127221.2(CACNA1A):c.5555T>C (p.Met1852Thr)

Gene: CACNA1A (calcium voltage-gated channel subunit alpha1 A; minus strand). Cytogenetic location: 19p13.13.
Variant type: single nucleotide variant.
Coding change: c.5555T>C on transcript NM_001127221.2 (MANE Plus Clinical); coding-DNA position 5555, T replaced by C.
Protein change: p.Met1852Thr; replaces methionine 1852 with threonine.
Molecular consequence: missense variant. On other transcripts: intron variant (4).
Genome position (GRCh38, 1-based): chr19:13,228,772, A>G on the plus strand (T>C on the coding strand, the complement: CACNA1A is on the minus strand). VCF-style: chr19-13228772-A-G. GRCh37 (hg19) VCF-style: chr19-13339586-A-G.
Other names: c.5529-1245T>C (NM_001127222.2); c.5538-1245T>C (NM_001174080.2); c.5547-1245T>C (NM_000068.4, NM_023035.3); short protein forms M1852T.
Identifiers: ClinVar variation 1059938 (VCV001059938.8), dbSNP rs368791169, ClinGen allele CA9239690.
Genomic context (GRCh38, chr19:13,228,772, plus strand): 5'-CTATGAGGACATTTCTTGCCTAAGCCGAGAGGGGGAGATATTACTCGTAATAAACTGTAC[A>G]TATCCTTATAATGAATCCGACCGCTGAAAGGAGAAGAAAGGGGGTTAGTGCAGGCAATGG-3'
Protein context (NP_001120693.1, residues 1842-1862): AACGRIHYKD[Met1852Thr]YSLLRVISPP